The following is an entry in ClinVar:

ClinVar aggregate classification (germline): Pathogenic/Likely pathogenic. Review status: criteria provided, multiple submitters, no conflicts (2 of 4 stars). 11 submissions from 11 submitters: Pathogenic (6); Likely pathogenic (3). 2 of the submissions do not count toward it. Last evaluated 2025-09-11.

Conditions:
ABCC2-related disorder. Also called: ABCC2-related condition.
Dubin-Johnson syndrome (DJS). Also called: Hyperbilirubinemia type 2; HYPERBILIRUBINEMIA, DUBIN-JOHNSON TYPE; Jaundice, Chronic Idiopathic. Identifiers: Orphanet 234, MedGen C0022350, MONDO:0009380, OMIM 237500.

Allele frequency attached by ClinVar (database versions not stated): 1000 Genomes Project 30x 0.00031; gnomAD 0.00010; 1000 Genomes Project 0.00020; ExAC 0.00007; gnomAD exomes 0.00009; TOPMed 0.00010.
gnomAD v4.1: 170 of 1,614,112 alleles (0.011%); highest among the groups gnomAD compares: East Asian, 0.15%; no homozygotes.

Submissions (11):

Institute of Human Genetics Munich, TUM University Hospital
Classification: Likely pathogenic for Dubin-Johnson syndrome. Last evaluated: 2025-09-11. Review status: criteria provided, single submitter. Criteria: Classification criteria August 2017. Collection method: clinical testing. Allele origin: germline. Inheritance: Autosomal recessive inheritance. Affected: yes. Observed: 1 variant allele.

3billion
Classification: Likely pathogenic for Dubin-Johnson syndrome. Last evaluated: 2025-05-10. Review status: criteria provided, single submitter. Criteria: ACMG Guidelines, 2015. Collection method: clinical testing. Allele origin: germline. Affected: yes.
Comment: The variant is observed at an extremely low frequency in the gnomAD v4.1.0 dataset (total allele frequency: 0.011%). Predicted Consequence/Location: Missense variant. The majority of the known disease-causing variants of this gene are variants expected to result in premature termination of the protein. In silico tool predictions suggest damaging effect of the variant on gene or gene product [REVEL: 0.92 (>=0.6, sensitivity 0.68 and specificity 0.92)]. The same nucleotide change resulting in the same amino acid change has been previously reported as pathogenic/likely pathogenic with strong evidence (ClinVar ID: VCV000008412 /PMID: 9425227 /3billion dataset). Therefore, this variant is classified as Likely pathogenic according to the recommendation of ACMG/AMP guideline.

Labcorp Genetics (formerly Invitae), Labcorp
Classification: Pathogenic. Last evaluated: 2024-10-16. Review status: criteria provided, single submitter. Criteria: Invitae Variant Classification Sherloc (09022015). Collection method: clinical testing. Allele origin: germline.
Comment: This sequence change replaces arginine, which is basic and polar, with tryptophan, which is neutral and slightly polar, at codon 768 of the ABCC2 protein (p.Arg768Trp). This variant is present in population databases (rs56199535, gnomAD 0.06%). This missense change has been observed in individuals with Dubin-Johnson syndrome (PMID: 9425227, 31544333). It has also been observed to segregate with disease in related individuals. ClinVar contains an entry for this variant (Variation ID: 8412). Invitae Evidence Modeling of protein sequence and biophysical properties (such as structural, functional, and spatial information, amino acid conservation, physicochemical variation, residue mobility, and thermodynamic stability) indicates that this missense variant is expected to disrupt ABCC2 protein function with a positive predictive value of 80%. For these reasons, this variant has been classified as Pathogenic.

Fulgent Genetics
Classification: Pathogenic for Dubin-Johnson syndrome. Last evaluated: 2024-05-02. Review status: criteria provided, single submitter. Criteria: ACMG Guidelines, 2015. Collection method: clinical testing. Allele origin: germline.

Women's Health and Genetics/Laboratory Corporation of America, LabCorp
Classification: Pathogenic for Dubin-Johnson syndrome. Last evaluated: 2024-04-30. Review status: criteria provided, single submitter. Criteria: LabCorp Variant Classification Summary - May 2015. Collection method: clinical testing. Allele origin: germline.
Comment: Variant summary: ABCC2 c.2302C>T (p.Arg768Trp) results in a non-conservative amino acid change located in the ABC transporter-like, ATP-binding domain (IPR003439) of the encoded protein sequence. Five of five in-silico tools predict a damaging effect of the variant on protein function. The variant allele was found at a frequency of 8.8e-05 in 251312 control chromosomes. c.2302C>T has been reported in the literature in multiple homozygous and compound heterozygous individuals affected with Dubin-Johnson Syndrome (e.g. Toh_1999). These data indicate that the variant is very likely to be associated with disease. To our knowledge, no experimental evidence demonstrating an impact on protein function has been reported. The following publication has been ascertained in the context of this evaluation (PMID: 10053008). ClinVar contains an entry for this variant (Variation ID: 8412). Based on the evidence outlined above, the variant was classified as pathogenic.

CeGaT Center for Human Genetics Tuebingen
Classification: Pathogenic. Last evaluated: 2024-02-01. Review status: criteria provided, single submitter. Criteria: CeGaT Center For Human Genetics Tuebingen Variant Classification Criteria Version 2. Collection method: clinical testing. Allele origin: germline. Affected: yes. Observed: 1 variant allele.
Comment: ABCC2: PM3:Very Strong, PM2, PP3, PS3:Supporting

Laboratory for Molecular Medicine, Mass General Brigham Personalized Medicine
Classification: Likely pathogenic for Dubin-Johnson syndrome. Last evaluated: 2019-06-16. Review status: criteria provided, single submitter. Criteria: LMM Criteria. Collection method: clinical testing. Allele origin: germline. Inheritance: Autosomal recessive inheritance. Observed: 1 variant allele.
Comment: The p.Arg768Trp variant in ABCC2 has been reported in 3 homozygous individuals and 3 compound heterozygous individuals with Dubin-Johnson syndrome (DJS) and 1 compound heterozygous individual with intrahepatic cholestasis and segregated with disease in 2 affected individuals from 2 families (Wada 1998, Toh 1999, Materna 2003, Pacifico 2010, Okada 2014, Wang 2016). It has also been identified in 0.06% (12/19952) of East Asian chromosomes by gnomAD and has been reported in ClinVar (Variation ID: 8412). Computational prediction tools and conservation analyses suggest that this variant may impact the protein, though this information is not predictive enough to determine pathogenicity. In vitro functional studies provide some evidence that this variant impacts protein function (Hashimoto 2002); however, these types of assays may not accurately represent biological function. In summary, although additional studies are required to fully establish its clinical significance, this variant meets criteria to be classified as likely pathogenic for autosomal recessive DJS. ACMG/AMP Criteria applied: PM3_Strong, PP1, PP3, PS3_Supporting.

Eurofins Ntd Llc (ga)
Classification: Pathogenic. Last evaluated: 2017-12-08. Review status: criteria provided, single submitter. Criteria: EGL Classification Definitions 2015. Collection method: clinical testing. Allele origin: germline. Observed: 3 variant alleles, 3 heterozygotes.

Juno Genomics, Hangzhou Juno Genomics, Inc
Classification: Pathogenic for Dubin-Johnson syndrome. Review status: criteria provided, single submitter. Criteria: ACMG Guidelines, 2015. Collection method: clinical testing. Allele origin: germline.
Comment: Absent from controls (or at extremely low frequency if recessive) in Genome Aggregation Database.;Multiple lines of computational evidence support a deleterious effect on the gene or gene product.;For recessive disorders, detected in trans with a pathogenic variant.

PreventionGenetics, part of Exact Sciences
Classification: Pathogenic for ABCC2-related condition. Last evaluated: 2024-03-22. Review status: no assertion criteria provided. Collection method: clinical testing. Allele origin: germline. Not counted in ClinVar's aggregate classification.
Comment: The ABCC2 c.2302C>T variant is predicted to result in the amino acid substitution p.Arg768Trp. This variant has been reported in the homozygous and compound heterozygous states to be causative for autosomal recessive Dubin-Johnson syndrome (Wada et al. 1998. PubMed ID: 9425227; Corpechot et al. 2019. PubMed ID: 31544333; Kim et al. 2020. PubMed ID: 32758197). This variant leads to deficient maturation and impaired sorting using in vitro functional assays (Hashimoto et al. 2002. PubMed ID: 12395335). This variant is reported in 0.060% of alleles in individuals of East Asian descent in gnomAD. This variant is interpreted as pathogenic.

OMIM
Classification: Pathogenic for DUBIN-JOHNSON SYNDROME. Last evaluated: 2010-12-01. Review status: no assertion criteria provided. Collection method: literature only. Allele origin: germline. Not counted in ClinVar's aggregate classification.

Literature cited by the submitters: PubMed 9425227 (cited by 4 submitters); PubMed 31544333 (cited by Labcorp Genetics (formerly Invitae), Labcorp); PubMed 10053008 (cited by 3 submitters); PubMed 25336012 (cited by Laboratory for Molecular Medicine, Mass General Brigham Personalized Medicine); PubMed 12942343 (cited by Laboratory for Molecular Medicine, Mass General Brigham Personalized Medicine and OMIM); PubMed 12395335 (cited by Laboratory for Molecular Medicine, Mass General Brigham Personalized Medicine); PubMed 27706244 (cited by Laboratory for Molecular Medicine, Mass General Brigham Personalized Medicine); PubMed 21044052 (cited by Laboratory for Molecular Medicine, Mass General Brigham Personalized Medicine and OMIM).

NM_000392.5(ABCC2):c.2302C>T (p.Arg768Trp)

Gene: ABCC2 (ATP binding cassette subfamily C member 2; plus strand). Cytogenetic location: 10q24.2.
Variant type: single nucleotide variant.
Coding change: c.2302C>T on transcript NM_000392.5 (MANE Select); coding-DNA position 2302, C replaced by T.
Protein change: p.Arg768Trp; replaces arginine 768 with tryptophan.
Molecular consequence: missense variant.
Genome position (GRCh38, 1-based): chr10:99,818,820, C>T. VCF-style: chr10-99818820-C-T. GRCh37 (hg19) VCF-style: chr10-101578577-C-T.
Other names: c.2302C>T (NM_000392.4); c.2302C>T, p.Arg768Trp (LRG_1208t1); short protein forms R768W.
Identifiers: ClinVar variation 8412 (VCV000008412.41), dbSNP rs56199535, ClinGen allele CA119596.